The following is an entry in ClinVar:

NM_006885.4(ZFHX3):c.9591GCA[5] (p.Gln3203_Gln3204del)

Genes: ZFHX3 (zinc finger homeobox 3; minus strand), ZFHX3-AS1 (ZFHX3 antisense RNA 1; plus strand). Cytogenetic location: 16q22.2.
Variant type: Microsatellite.
Coding change: c.9591GCA[5] on transcript NM_006885.4 (MANE Select); five copies in a row of the 3-base unit GCA starting at c.9591; the reference has seven copies in a row; two copies, 6 bases deleted.
Protein change: p.Gln3203_Gln3204del.
Genome position (GRCh38, 1-based): chr16:72,788,665-72,788,670, TGCTGC deleted on the plus strand (GCAGCA on the coding strand, the reverse complement: ZFHX3 is on the minus strand); deleting any 6 consecutive bases within chr16:72,788,665-72,788,687 gives the same sequence; the position shown is the placement nearest the transcript's 3' end. VCF-style (leftmost placement, unchanged base first): chr16-72788664-TTGCTGC-T. GRCh37 (hg19) VCF-style: chr16-72822563-TTGCTGC-T.
Other names: c.6849GCA[5], p.Gln2289_Gln2290del (NM_001164766.2); c.9591GCA[5], p.Gln3203_Gln3204del (NM_001386735.1).
Identifiers: ClinVar variation 3038929 (VCV003038929.2), dbSNP rs376311468, ClinGen allele CA8162800.

ClinVar aggregate classification (germline): Benign (0 of 4 stars; one submission).

Conditions:
ZFHX3-related disorder. Also called: ZFHX3-related condition.

Submission:

PreventionGenetics, part of Exact Sciences
Classification: Benign for ZFHX3-related condition. Last evaluated: 2019-07-10. Review status: no assertion criteria provided. Collection method: clinical testing. Allele origin: germline.
Comment: This variant is classified as benign based on ACMG/AMP sequence variant interpretation guidelines (Richards et al. 2015 PMID: 25741868, with internal and published modifications).